The following is an entry in ClinVar:

ClinVar aggregate classification (germline): Likely benign. Review status: criteria provided, multiple submitters, no conflicts (2 of 4 stars). 3 submissions from 3 submitters: Likely benign (3). Last evaluated 2026-03-01.

Allele frequency attached by ClinVar (database versions not stated): TOPMed 0.00003.
gnomAD v4.1: 49 of 1,612,554 alleles (0.003%); highest among the groups gnomAD compares: Middle Eastern, 0.049%; no homozygotes.

Submissions (3):

CeGaT Center for Human Genetics Tuebingen
Classification: Likely benign. Last evaluated: 2026-03-01. Review status: criteria provided, single submitter. Criteria: CeGaT Center For Human Genetics Tuebingen Variant Classification Criteria Version 2. Collection method: clinical testing. Allele origin: germline. Affected: yes. Observed: 1 variant allele.
Comment: C3: BP4, BP7

Labcorp Genetics (formerly Invitae), Labcorp
Classification: Likely benign. Last evaluated: 2025-12-10. Review status: criteria provided, single submitter. Criteria: Invitae Variant Classification Sherloc (09022015). Collection method: clinical testing. Allele origin: germline.

Blueprint Genetics
Classification: Likely benign. Last evaluated: 2024-07-11. Review status: criteria provided, single submitter. Criteria: ACMG Guidelines, 2015. Collection method: clinical testing. Allele origin: germline.

NM_000064.4(C3):c.2214C>T (p.His738=)

Gene: C3 (complement C3; minus strand). Cytogenetic location: 19p13.3.
Variant type: single nucleotide variant.
Coding change: c.2214C>T on transcript NM_000064.4 (MANE Select); coding-DNA position 2214, C replaced by T.
Protein change: p.His738=; no amino-acid change (histidine 738 retained).
Molecular consequence: synonymous variant.
Genome position (GRCh38, 1-based): chr19:6,707,107, G>A on the plus strand (C>T on the coding strand, the complement: C3 is on the minus strand). VCF-style: chr19-6707107-G-A. GRCh37 (hg19) VCF-style: chr19-6707118-G-A.
Identifiers: ClinVar variation 1595329 (VCV001595329.13), dbSNP rs765224315, ClinGen allele CA9129164.